The following is an entry in ClinVar:

ClinVar aggregate classification (germline): Uncertain significance (1 of 4 stars; one submission).

gnomAD v4.1: 16 of 1,613,754 alleles (0.00099%); highest among the groups gnomAD compares: East Asian, 0.0089%; no homozygotes.

Submission:

Labcorp Genetics (formerly Invitae), Labcorp
Classification: Uncertain significance. Last evaluated: 2024-10-16. Review status: criteria provided, single submitter. Criteria: Invitae Variant Classification Sherloc (09022015). Collection method: clinical testing. Allele origin: germline.
Comment: This sequence change replaces arginine, which is basic and polar, with histidine, which is basic and polar, at codon 77 of the WDR73 protein (p.Arg77His). This variant is present in population databases (rs764013056, gnomAD 0.006%). This variant has not been reported in the literature in individuals affected with WDR73-related conditions. Invitae Evidence Modeling of protein sequence and biophysical properties (such as structural, functional, and spatial information, amino acid conservation, physicochemical variation, residue mobility, and thermodynamic stability) indicates that this missense variant is not expected to disrupt WDR73 protein function with a negative predictive value of 80%. In summary, the available evidence is currently insufficient to determine the role of this variant in disease. Therefore, it has been classified as a Variant of Uncertain Significance.

NM_032856.5(WDR73):c.230G>A (p.Arg77His)

Gene: WDR73 (WD repeat domain 73; minus strand). Cytogenetic location: 15q25.2.
Variant type: single nucleotide variant.
Coding change: c.230G>A on transcript NM_032856.5 (MANE Select); coding-DNA position 230, G replaced by A.
Protein change: p.Arg77His; replaces arginine 77 with histidine.
Molecular consequence: missense variant. On other transcripts: non-coding transcript variant (3).
Genome position (GRCh38, 1-based): chr15:84,648,594, C>T on the plus strand (G>A on the coding strand, the complement: WDR73 is on the minus strand). VCF-style: chr15-84648594-C-T. GRCh37 (hg19) VCF-style: chr15-85191825-C-T.
Other names: short protein forms R77H.
Identifiers: ClinVar variation 3710179 (VCV003710179.2).